The following is an entry in ClinVar:

NM_017950.4(CCDC40):c.2660dup (p.Asn887fs)

Gene: CCDC40 (coiled-coil domain 40 molecular ruler complex subunit; plus strand). Cytogenetic location: 17q25.3.
Variant type: Duplication.
Coding change: c.2660dup on transcript NM_017950.4 (MANE Select); coding-DNA position 2660, one base duplicated (A; older notation c.2660dupA).
Protein change: p.Asn887fs; shifts the reading frame from asparagine 887.
Molecular consequence: frameshift variant.
Genome position (GRCh38, 1-based): chr17:80,088,051, A duplicated; the last of 2 consecutive A bases (chr17:80,088,050-80,088,051); duplicating either gives the same sequence. VCF-style (leftmost placement, unchanged base first): chr17-80088049-G-GA. GRCh37 (hg19) VCF-style: chr17-78061848-G-GA.
Other names: c.2660dup, p.Asn887fs (NM_001243342.2); short protein forms N887fs.
Identifiers: ClinVar variation 977586 (VCV000977586.5), dbSNP rs1567811487, ClinGen allele CA627696514.

ClinVar aggregate classification (germline): Pathogenic/Likely pathogenic. Review status: criteria provided, multiple submitters, no conflicts (2 of 4 stars). 2 submissions from 2 submitters: Pathogenic (1); Likely pathogenic (1). Last evaluated 2026-01-02.

Conditions:
Primary ciliary dyskinesia. Also called: Ciliary dyskinesia. Identifiers: Orphanet 244, MedGen C0008780, MONDO:0016575, HP:0012265.

Submissions (2):

Labcorp Genetics (formerly Invitae), Labcorp
Classification: Pathogenic for Primary ciliary dyskinesia. Last evaluated: 2026-01-02. Review status: criteria provided, single submitter. Criteria: Invitae Variant Classification Sherloc (09022015). Collection method: clinical testing. Allele origin: germline.
Comment: This sequence change creates a premature translational stop signal (p.Asn887Lysfs*111) in the CCDC40 gene. It is expected to result in an absent or disrupted protein product. Loss-of-function variants in CCDC40 are known to be pathogenic (PMID: 21131974, 22693285, 23255504). This variant is present in population databases (no rsID available, gnomAD 0.006%). This variant has not been reported in the literature in individuals affected with CCDC40-related conditions. ClinVar contains an entry for this variant (Variation ID: 977586). For these reasons, this variant has been classified as Pathogenic.

UNC Molecular Genetics  Laboratory, University of North Carolina at Chapel Hill
Classification: Likely pathogenic for Primary ciliary dyskinesia. Last evaluated: 2019-03-13. Review status: criteria provided, single submitter. Criteria: ACMG Guidelines, 2015. Collection method: clinical testing. Allele origin: germline. Affected: yes. Observed: 1 compound heterozygote.

Literature cited by the submitters: PubMed 21131974 (cited by Labcorp Genetics (formerly Invitae), Labcorp); PubMed 22693285 (cited by Labcorp Genetics (formerly Invitae), Labcorp); PubMed 23255504 (cited by Labcorp Genetics (formerly Invitae), Labcorp).